The following is an entry in ClinVar:

NM_001042492.3(NF1):c.1490del (p.Val497fs)

Gene: NF1 (neurofibromin 1; plus strand). Cytogenetic location: 17q11.2.
Variant type: Deletion.
Coding change: c.1490del on transcript NM_001042492.3 (MANE Select); coding-DNA position 1490, one base deleted (T; older notation c.1490delT).
Protein change: p.Val497fs; shifts the reading frame from valine 497.
Molecular consequence: frameshift variant.
Genome position (GRCh38, 1-based): chr17:31,214,548, T deleted. VCF-style (leftmost placement, unchanged base first): chr17-31214547-GT-G. GRCh37 (hg19) VCF-style: chr17-29541565-GT-G.
Other names: c.1490delT (NM_000267.3); c.1490del, p.Val497fs (NM_001128147.3); c.1490delT, p.Val497Glyfs (NM_000267.4); short protein forms V497fs.
Identifiers: ClinVar variation 547591 (VCV000547591.4), dbSNP rs1555612286, ClinGen allele CA658825054.

ClinVar aggregate classification (germline): Pathogenic/Likely pathogenic. Review status: criteria provided, multiple submitters, no conflicts (2 of 4 stars). 3 submissions from 3 submitters: Pathogenic (2); Likely pathogenic (1). Last evaluated 2024-06-18.

Conditions:
Neurofibromatosis, type 1 (NF1). Also called: NEUROFIBROMATOSIS, TYPE I, SOMATIC; VON RECKLINGHAUSEN DISEASE; Peripheral type neurofibromatosis; Neurofibromatosis, type I. Identifiers: Orphanet 636, MedGen C0027831, MONDO:0018975, OMIM 162200. Disease mechanism: loss of function.
Neurofibromatosis-Noonan syndrome (NFNS). Also called: NEUROFIBROMATOSIS WITH NOONAN PHENOTYPE. Identifiers: Orphanet 638, MedGen C2931482, MONDO:0011035, OMIM 601321. Disease mechanism: loss of function.
Café-au-lait macules with pulmonary stenosis (WTSN). Also called: PULMONIC STENOSIS WITH CAFE-AU-LAIT SPOTS. Identifiers: MedGen C0553586, MONDO:0008672, OMIM 193520.
Neurofibromatosis, familial spinal (FSNF). Identifiers: Orphanet 636, MedGen C1834235, MONDO:0008078, OMIM 162210. Disease mechanism: loss of function.
Juvenile myelomonocytic leukemia (JMML). Also called: LEUKEMIA, JUVENILE MYELOMONOCYTIC, SOMATIC. Identifiers: Orphanet 86834, MedGen C0349639, MONDO:0011908, OMIM 607785, HP:0012209.

Submissions (3):

Fulgent Genetics
Classification: Pathogenic for Neurofibromatosis, type 1; Neurofibromatosis, familial spinal; Café-au-lait macules with pulmonary stenosis; Neurofibromatosis-Noonan syndrome; Juvenile myelomonocytic leukemia. Last evaluated: 2024-06-18. Review status: criteria provided, single submitter. Criteria: ACMG Guidelines, 2015. Collection method: clinical testing. Allele origin: germline.

Labcorp Genetics (formerly Invitae), Labcorp
Classification: Pathogenic for Neurofibromatosis, type 1. Last evaluated: 2024-05-12. Review status: criteria provided, single submitter. Criteria: Invitae Variant Classification Sherloc (09022015). Collection method: clinical testing. Allele origin: germline.
Comment: This sequence change creates a premature translational stop signal (p.Val497Glyfs*3) in the NF1 gene. It is expected to result in an absent or disrupted protein product. Loss-of-function variants in NF1 are known to be pathogenic (PMID: 10712197, 23913538). This variant is not present in population databases (gnomAD no frequency). This variant has not been reported in the literature in individuals affected with NF1-related conditions. ClinVar contains an entry for this variant (Variation ID: 547591). For these reasons, this variant has been classified as Pathogenic.

Center for Human Genetics, Inc
Classification: Likely pathogenic for Neurofibromatosis, type 1. Last evaluated: 2016-11-01. Review status: criteria provided, single submitter. Criteria: ACMG Guidelines, 2015. Collection method: clinical testing. Allele origin: germline. Affected: yes.

Literature cited by the submitters: PubMed 10712197 (cited by Labcorp Genetics (formerly Invitae), Labcorp); PubMed 23913538 (cited by Labcorp Genetics (formerly Invitae), Labcorp).